The following is an entry in ClinVar:

NM_005321.3(H1-4):c.127C>T (p.Leu43Phe)

Gene: H1-4 (H1.4 linker histone, cluster member; plus strand). Cytogenetic location: 6p22.2.
Variant type: single nucleotide variant.
Coding change: c.127C>T on transcript NM_005321.3 (MANE Select); coding-DNA position 127, C replaced by T.
Protein change: p.Leu43Phe; replaces leucine 43 with phenylalanine.
Molecular consequence: missense variant.
Genome position (GRCh38, 1-based): chr6:26,156,517, C>T. VCF-style: chr6-26156517-C-T. GRCh37 (hg19) VCF-style: chr6-26156745-C-T.
Other names: short protein forms L43F.
Identifiers: ClinVar variation 938390 (VCV000938390.11), dbSNP rs765930149, ClinGen allele CA3667922.
Genomic context (GRCh38, chr6:26,156,517, plus strand): 5'-AAGGCCCGCAAGTCTGCAGGTGCGGCCAAGCGCAAAGCGTCTGGGCCCCCGGTGTCCGAG[C>T]TCATTACTAAAGCTGTTGCCGCCTCCAAGGAGCGCAGCGGCGTATCTTTGGCCGCTCTCA-3'
Protein context (NP_005312.1, residues 33-53): RKASGPPVSE[Leu43Phe]ITKAVAASKE

ClinVar aggregate classification (germline): Uncertain significance. Review status: criteria provided, multiple submitters, no conflicts (2 of 4 stars). 2 submissions from 2 submitters: Uncertain significance (2). Last evaluated 2023-10-05.

Allele frequency attached by ClinVar (database versions not stated): gnomAD exomes below 0.00001; gnomAD 0.00001; TOPMed 0.00001; ExAC 0.00002; 1000 Genomes Project 30x 0.00016.

Submissions (2):

GeneDx
Classification: Uncertain significance. Last evaluated: 2023-10-05. Review status: criteria provided, single submitter. Criteria: GeneDx Variant Classification Process June 2021. Collection method: clinical testing. Allele origin: germline. Affected: yes.
Comment: In silico analysis supports that this missense variant has a deleterious effect on protein structure/function; Has not been previously published as pathogenic or benign to our knowledge

Labcorp Genetics (formerly Invitae), Labcorp
Classification: Uncertain significance. Last evaluated: 2022-07-19. Review status: criteria provided, single submitter. Criteria: Invitae Variant Classification Sherloc (09022015). Collection method: clinical testing. Allele origin: germline.
Comment: In summary, the available evidence is currently insufficient to determine the role of this variant in disease. Therefore, it has been classified as a Variant of Uncertain Significance. Algorithms developed to predict the effect of missense changes on protein structure and function are either unavailable or do not agree on the potential impact of this missense change (SIFT: "Deleterious"; PolyPhen-2: "Probably Damaging"; Align-GVGD: "Class C0"). ClinVar contains an entry for this variant (Variation ID: 938390). This variant has not been reported in the literature in individuals affected with HIST1H1E-related conditions. This variant is present in population databases (rs765930149, gnomAD 0.01%). This sequence change replaces leucine, which is neutral and non-polar, with phenylalanine, which is neutral and non-polar, at codon 43 of the HIST1H1E protein (p.Leu43Phe).